The following is an entry in ClinVar:

ClinVar aggregate classification (germline): Conflicting classifications of pathogenicity. Review status: criteria provided, conflicting classifications (1 of 4 stars). 5 submissions from 5 submitters: Uncertain significance (1); Benign (1); Likely benign (3). Last evaluated 2025-12-29.

Conditions:
Hereditary cancer-predisposing syndrome. Also called: Hereditary Cancer Syndrome; Neoplastic Syndromes, Hereditary; Tumor predisposition; Hereditary neoplastic syndrome. Identifiers: Orphanet 140162, MedGen C0027672, MeSH D009386, MONDO:0015356.
BAP1-related tumor predisposition syndrome (TPDS1). Also called: Tumor susceptibility linked to germline BAP1 mutations; BAP1 tumor predisposition syndrome; COMMON Syndrome; TUMOR PREDISPOSITION SYNDROME 1. Identifiers: Orphanet 289539, MedGen C3280492, MONDO:0013692, OMIM 614327.

Submissions (5):

Labcorp Genetics (formerly Invitae), Labcorp
Classification: Likely benign for BAP1-related tumor predisposition syndrome. Last evaluated: 2025-12-29. Review status: criteria provided, single submitter. Criteria: Invitae Variant Classification Sherloc (09022015). Collection method: clinical testing. Allele origin: germline.

Myriad Genetics, Inc.
Classification: Benign for BAP1-related tumor predisposition syndrome. Last evaluated: 2024-07-12. Review status: criteria provided, single submitter. Criteria: Myriad Autosomal Dominant, Autosomal Recessive and X-Linked Classification Criteria (2023). Collection method: clinical testing. Allele origin: unknown.
Comment: This variant is considered benign. This variant is a silent/synonymous amino acid change and it is not expected to impact splicing.

GeneDx
Classification: Uncertain significance. Last evaluated: 2024-05-07. Review status: criteria provided, single submitter. Criteria: GeneDx Variant Classification Process June 2021. Collection method: clinical testing. Allele origin: germline. Affected: yes.
Comment: Not observed at significant frequency in large population cohorts (gnomAD); In silico analysis indicates that this variant does not alter splicing; Has not been previously published as pathogenic or benign to our knowledge

Ambry Genetics
Classification: Likely benign for Hereditary cancer-predisposing syndrome. Last evaluated: 2022-01-05. Review status: criteria provided, single submitter. Criteria: Ambry Variant Classification Scheme 2023. Collection method: clinical testing. Allele origin: germline.

Color Diagnostics, LLC DBA Color Health
Classification: Likely benign for Hereditary cancer-predisposing syndrome. Last evaluated: 2017-07-28. Review status: criteria provided, single submitter. Criteria: ACMG Guidelines, 2015. Collection method: clinical testing. Allele origin: germline.

NM_004656.4(BAP1):c.334C>T (p.Leu112=)

Gene: BAP1 (BRCA1 associated deubiquitinase 1; minus strand). Cytogenetic location: 3p21.1.
Variant type: single nucleotide variant.
Coding change: c.334C>T on transcript NM_004656.4 (MANE Select); coding-DNA position 334, C replaced by T.
Protein change: p.Leu112=; no amino-acid change (leucine 112 retained).
Molecular consequence: synonymous variant.
Genome position (GRCh38, 1-based): chr3:52,407,999, G>A on the plus strand (C>T on the coding strand, the complement: BAP1 is on the minus strand). VCF-style: chr3-52407999-G-A. GRCh37 (hg19) VCF-style: chr3-52442015-G-A.
Identifiers: ClinVar variation 490855 (VCV000490855.14), dbSNP rs1553645935, ClinGen allele CA433777657.